The following is an entry in ClinVar:

ClinVar aggregate classification (germline): Pathogenic. Review status: reviewed by expert panel (3 of 4 stars). 6 submissions from 6 submitters: Pathogenic (1). 5 of the submissions do not count toward it. Last evaluated 2025-05-23.

Conditions:
Mucopolysaccharidosis type 1. Also called: IDUA deficiency; MPS I; Mucopolysaccharidosis Type I. Identifiers: Orphanet 579, MedGen C0023786, MONDO:0001586.
Mucopolysaccharidosis, MPS-I-H/S. Also called: Mucopolysaccharidosis type IH/S. Identifiers: Orphanet 93476, MedGen C0086431, MONDO:0011759, OMIM 607015.
Hurler syndrome. Also called: Gargoylism, Hurler Syndrome; Severe MPS I (Hurler Syndrome); MUCOPOLYSACCHARIDOSIS TYPE IH. Identifiers: Orphanet 93473, MedGen C0086795, MONDO:0011758, OMIM 607014.
Mucopolysaccharidosis, MPS-I-S. Also called: MPS V; MUCOPOLYSACCHARIDOSIS TYPE V; Scheie Syndrome; MUCOPOLYSACCHARIDOSIS TYPE IS. Identifiers: Orphanet 93474, MedGen C0026708, MONDO:0011760, OMIM 607016.

Allele frequency attached by ClinVar (database versions not stated): gnomAD exomes below 0.00001.
gnomAD v4.1: 2 of 1,611,038 alleles (0.00012%); highest among the groups gnomAD compares: East Asian, 0.0045%; no homozygotes.

Submissions (6):

ClinGen Lysosomal Storage Disorder Variant Curation Expert Panel
Classification: Pathogenic for Mucopolysaccharidosis type 1. Last evaluated: 2025-05-23. Review status: reviewed by expert panel. Criteria: ClinGen LSD ACMG Specifications IDUA V1.0.0. Collection method: curation. Allele origin: germline. Inheritance: Autosomal recessive inheritance.
Comment: The NM_000203.5:c.300-3C>G variant in IDUA occurs within the splice acceptor region of intron 2. RT-PCR of fibroblast RNA from an individual who is compound heterozygous for the variant (labeled as 388-3C>G in the publication) revealed that the variant results in insertion of 58 intronic nucleotides, which would result in a frameshift). Analysis of heterozygous polymorphic markers showed that the variant caused a significant decrease in the level of IDUA mRNA derived from the allele with the c.300-3C>G variant. Furthermore, expression of the variant in COS-7 cells resulted in 1.6% wild type IDUA activity with no IDUA protein detected on western blot (PMID: 10735634) (PVS1). Two patients with this variant had documented IDUA deficiency within the affected range in leukocytes, urinary GAGs above the normal range, or clinical features specific to MPS I including hepatosplenomegaly, corneal involvement, skeletal and cardiac abnormalities (PMID: 10735634, 29801497). (PP4_Moderate). These individuals are compound heterozygous for the variant and another variant in IDUA, c.1037T>G or c.1874A>C) (PMID: 10735634, 29801497). The allelic data from these patients will be used in the classification of the second variant and is not included here to avoid circular logic (PM3 not applied). The highest population minor allele frequency in gnomAD v4.1.0 is 0.00004557 (2/44876 alleles) in the EAS population, which is lower than the ClinGen Lysosomal Diseases VCEP’s threshold for PM2_Supporting (<0.00025), meeting this criterion (PM2_Supporting). In summary, this variant meets the criteria to be classified as Pathogenic for MPS I based on the IDUA-specific ACMG/AMP criteria applied, as specified by the ClinGen Lysosomal Diseases Variant Curation Expert panel (Specifications Version 1.0.0): PVS1, PP4_Moderate, PM2_Supporting. (Classification approved by the ClinGen Lysosomal Diseases Variant Curation Expert Panel on May 23, 2025)

Natera, Inc.
Classification: Pathogenic for Mucopolysaccharidosis type I. Last evaluated: 2025-07-28. Review status: criteria provided, single submitter. Criteria: Natera Variant Classification Schema (03/2026). Collection method: clinical testing. Allele origin: germline. Not counted in ClinVar's aggregate classification.
Comment: The c.300-3C>G variant in IDUA is an intronic variant located outside the canonical splice sites. This variant is rare in the general population with a frequency below the threshold expected for the associated phenotype(s). This variant has been observed in one or more individuals affected with the associated recessive disease, as either homozygous or compound heterozygous with a second variant (PMID: 36077388, 10735634). Additionally, this variant has been observed to segregate in affected family members (PMID: 29801497). Functional studies show that this variant may disrupt protein function (PMID: 36077388). Computational prediction algorithms indicate this variant is likely to affect gene or protein function. Given the available evidence, this variant is classified as Pathogenic.

Labcorp Genetics (formerly Invitae), Labcorp
Classification: Pathogenic for Mucopolysaccharidosis type 1. Last evaluated: 2023-06-30. Review status: criteria provided, single submitter. Criteria: Invitae Variant Classification Sherloc (09022015). Collection method: clinical testing. Allele origin: germline. Not counted in ClinVar's aggregate classification.
Comment: Variants that disrupt the consensus splice site are a relatively common cause of aberrant splicing (PMID: 17576681, 9536098). Algorithms developed to predict the effect of sequence changes on RNA splicing suggest that this variant may disrupt the consensus splice site. ClinVar contains an entry for this variant (Variation ID: 551563). This variant has been observed in individual(s) with mucopolysaccharidosis (PMID: 10735634, 29801497). In at least one individual the data is consistent with being in trans (on the opposite chromosome) from a pathogenic variant. This variant is present in population databases (no rsID available, gnomAD 0.006%). This sequence change falls in intron 2 of the IDUA gene. It does not directly change the encoded amino acid sequence of the IDUA protein. It affects a nucleotide within the consensus splice site. For these reasons, this variant has been classified as Pathogenic.

Juno Genomics, Hangzhou Juno Genomics, Inc
Classification: Likely pathogenic for Hurler syndrome; Mucopolysaccharidosis, MPS-I-H/S; Mucopolysaccharidosis, MPS-I-S. Review status: criteria provided, single submitter. Criteria: ACMG Guidelines, 2015. Collection method: clinical testing. Allele origin: germline. Not counted in ClinVar's aggregate classification.
Comment: Absent from controls (or at extremely low frequency if recessive) in Genome Aggregation Database.;Well-established in vitro or in vivo functional studies supportive of a damaging effect on the gene or gene product.;For recessive disorders, detected in trans with a pathogenic variant.;Patient's phenotype or family history is highly specific for a disease with a single genetic etiology.

Counsyl
Classification: Uncertain significance for Hurler syndrome. Last evaluated: 2017-04-18. Review status: no assertion criteria provided. Collection method: clinical testing. Allele origin: unknown. Not counted in ClinVar's aggregate classification.

OMIM
Classification: Pathogenic for HURLER-SCHEIE SYNDROME. Last evaluated: 2000-02-01. Review status: no assertion criteria provided. Collection method: literature only. Allele origin: germline. Not counted in ClinVar's aggregate classification.

Literature cited by the submitters: PubMed 36077388 (cited by Natera, Inc.); PubMed 10735634 (cited by 4 submitters); PubMed 29801497 (cited by Natera, Inc. and Labcorp Genetics (formerly Invitae), Labcorp); PubMed 17576681 (cited by Labcorp Genetics (formerly Invitae), Labcorp); PubMed 9536098 (cited by Labcorp Genetics (formerly Invitae), Labcorp); PubMed 21480867 (cited by Counsyl).

NM_000203.5(IDUA):c.300-3C>G

Gene: IDUA (alpha-L-iduronidase; plus strand). Cytogenetic location: 4p16.3.
Variant type: single nucleotide variant.
Coding change: c.300-3C>G on transcript NM_000203.5 (MANE Select); 3 bases into the intron before coding-DNA position 300, C replaced by G.
Molecular consequence: intron variant.
Genome position (GRCh38, 1-based): chr4:1,000,609, C>G. VCF-style: chr4-1000609-C-G. GRCh37 (hg19) VCF-style: chr4-994397-C-G.
Other names: IVS2AS, C-G, -3; c.-97-3C>G (NM_001363576.1).
Identifiers: ClinVar variation 551563 (VCV000551563.15), dbSNP rs1226056948, ClinGen allele CA549265042.